The following is an entry in ClinVar:

NM_001039141.3(TRIOBP):c.6563G>A (p.Arg2188Gln)

Gene: TRIOBP (TRIO and F-actin binding protein; plus strand). Cytogenetic location: 22q13.1.
Variant type: single nucleotide variant.
Coding change: c.6563G>A on transcript NM_001039141.3 (MANE Select); coding-DNA position 6563, G replaced by A.
Protein change: p.Arg2188Gln; replaces arginine 2188 with glutamine.
Molecular consequence: missense variant.
Genome position (GRCh38, 1-based): chr22:37,768,164, G>A. VCF-style: chr22-37768164-G-A. GRCh37 (hg19) VCF-style: chr22-38164171-G-A.
Other names: c.1424G>A, p.Arg475Gln (NM_007032.5); short protein forms R2188Q, R475Q.
Identifiers: ClinVar variation 1393890 (VCV001393890.4), dbSNP rs34138461, ClinGen allele CA10225093.
Genomic context (GRCh38, chr22:37,768,164, plus strand): 5'-AAGAGCTGAGCCGAGAGCTGAGCAAAACACGGAGTCTCCAGCAGGGCCCGGATGGCCTCC[G>A]GAAGCAGCACCAGTAAGATGATGCCGGGGCCCAACTGCCCACCCTGATGGTTATGGGTTG-3'
Protein context (NP_001034230.1, residues 2178-2198): RSLQQGPDGL[Arg2188Gln]KQHQSDVEAL

ClinVar aggregate classification (germline): Uncertain significance (1 of 4 stars; one submission).

Allele frequency attached by ClinVar (database versions not stated): gnomAD exomes 0.00004 and 0.00005; ExAC 0.00006; gnomAD 0.00006; ESP Exome Variant Server 0.00008; TOPMed 0.00009.
gnomAD v4.1: 80 of 1,612,002 alleles (0.005%); highest among the groups gnomAD compares: African/African-American, 0.025%; no homozygotes.

Submission:

Labcorp Genetics (formerly Invitae), Labcorp
Classification: Uncertain significance. Last evaluated: 2024-04-16. Review status: criteria provided, single submitter. Criteria: Invitae Variant Classification Sherloc (09022015). Collection method: clinical testing. Allele origin: germline.
Comment: This sequence change replaces arginine, which is basic and polar, with glutamine, which is neutral and polar, at codon 2188 of the TRIOBP protein (p.Arg2188Gln). This variant is present in population databases (rs34138461, gnomAD 0.03%). This variant has not been reported in the literature in individuals affected with TRIOBP-related conditions. ClinVar contains an entry for this variant (Variation ID: 1393890). Algorithms developed to predict the effect of missense changes on protein structure and function output the following: SIFT: "Not Available"; PolyPhen-2: "Possibly Damaging"; Align-GVGD: "Not Available". The glutamine amino acid residue is found in multiple mammalian species, which suggests that this missense change does not adversely affect protein function. In summary, the available evidence is currently insufficient to determine the role of this variant in disease. Therefore, it has been classified as a Variant of Uncertain Significance.